The following is an entry in ClinVar:

ClinVar aggregate classification (germline): Uncertain significance (1 of 4 stars; one submission).

Submission:

CeGaT Center for Human Genetics Tuebingen
Classification: Uncertain significance. Last evaluated: 2022-06-01. Review status: criteria provided, single submitter. Criteria: CeGaT Center For Human Genetics Tuebingen Variant Classification Criteria Version 2. Collection method: clinical testing. Allele origin: germline. Affected: yes. Observed: 1 variant allele.
Comment: ANK3: PM2, BP4

NM_020987.5(ANK3):c.2164C>T (p.His722Tyr)

Gene: ANK3 (ankyrin 3; minus strand). Cytogenetic location: 10q21.2.
Variant type: single nucleotide variant.
Coding change: c.2164C>T on transcript NM_020987.5 (MANE Select); coding-DNA position 2164, C replaced by T.
Protein change: p.His722Tyr; replaces histidine 722 with tyrosine.
Molecular consequence: missense variant.
Genome position (GRCh38, 1-based): chr10:60,181,349, G>A on the plus strand (C>T on the coding strand, the complement: ANK3 is on the minus strand). VCF-style: chr10-60181349-G-A. GRCh37 (hg19) VCF-style: chr10-61941107-G-A.
Other names: c.2146C>T, p.His716Tyr (NM_001204403.2); c.2113C>T, p.His705Tyr (NM_001204404.2); c.2164C>T, p.His722Tyr (NM_001320874.2); short protein forms H716Y, H705Y, H722Y.
Identifiers: ClinVar variation 2640499 (VCV002640499.24), dbSNP rs267602541, ClinGen allele CA208294577.